The following is an entry in ClinVar:

ClinVar aggregate classification (germline): Pathogenic (1 of 4 stars; one submission).

Conditions:
Intellectual developmental disorder, X-linked 99, syndromic, female-restricted. Also called: Intellectual disability, X-linked 99, syndromic, female-restricted. Identifiers: MedGen C4225416, MONDO:0010502, OMIM 300968.

Submission:

Centro Nacional de Genética Medica, Administración Nacional de Laboratorios e Institutos de Salud (ANLIS) “Dr. Carlos G Malbrán”
Classification: Pathogenic for Intellectual developmental disorder, X-linked 99, syndromic, female-restricted. Last evaluated: 2026-06-19. Review status: criteria provided, single submitter. Criteria: ACMG Guidelines, 2015. Collection method: clinical testing. Allele origin: germline. Affected: yes. Observed: 1 variant allele.
Comment: This is a 1-nucleotide deletion in exon 35 of the 45 total exons of this gene, with the consequent frameshift and the appearance of a premature stop codon 5 residues downstream of the deletion (p.Tyr2009Phefs*5). This type of variant generally results in the deletion of messenger RNA through the process of nonsense-mediated decay (NMD) (PMID: 16757948, PMID: 17352659). USP9X is a gene curated by ClinGen as having sufficient evidence of haploinsufficiency (3) (ISCA-20680) (PMID: 28377321; PMID: 24607389; PMID: 26833328). Eighty-seven pathogenic variants associated with loss of function (PVS1) are registered in GnomAD. This variant is absent from population databases such as GnomAD, ExAc, and 1000 Genomes (PM2_Supporting). The patient's phenotype is highly specific for MRXS99F, and the variant found in the USP9X gene could explain its clinical presentation (PP4).

Literature cited by the submitters: PubMed 16757948; PubMed 17352659; PubMed 28377321; PubMed 24607389; PubMed 26833328.

NM_001039591.3(USP9X):c.6026del (p.Tyr2009fs)

Gene: USP9X (ubiquitin specific peptidase 9 X-linked; plus strand). Cytogenetic location: Xp11.4.
Variant type: Deletion.
Coding change: c.6026del on transcript NM_001039591.3 (MANE Select); coding-DNA position 6026, one base deleted (A; older notation c.6026delA).
Protein change: p.Tyr2009fs; shifts the reading frame from tyrosine 2009.
Molecular consequence: frameshift variant.
Genome position (GRCh38, 1-based): chrX:41,216,593, A deleted. VCF-style (leftmost placement, unchanged base first): chrX-41216592-TA-T. GRCh37 (hg19) VCF-style: chrX-41075845-TA-T.
Other names: c.6026del, p.Tyr2009fs (NM_001039590.3); c.6041del, p.Tyr2014fs (NM_001410748.1, NM_001410749.1, NM_001437534.1); short protein forms Y2009fs, Y2014fs.
Identifiers: ClinVar variation 4871711 (VCV004871711.1).